The following is an entry in ClinVar:

ClinVar aggregate classification (germline): Uncertain significance. Review status: criteria provided, multiple submitters, no conflicts (2 of 4 stars). 2 submissions from 2 submitters: Uncertain significance (2). Last evaluated 2024-09-16.

Conditions:
Inborn genetic diseases. Identifiers: MedGen C0950123, MeSH D030342.

Submissions (2):

GeneDx
Classification: Uncertain significance. Last evaluated: 2024-09-16. Review status: criteria provided, single submitter. Criteria: GeneDx Variant Classification Process June 2021. Collection method: clinical testing. Allele origin: germline. Affected: yes.
Comment: Not observed at significant frequency in large population cohorts (gnomAD); In silico analysis indicates that this missense variant does not alter protein structure/function; Has not been previously published as pathogenic or benign to our knowledge

Ambry Genetics
Classification: Uncertain significance for Inborn genetic diseases. Last evaluated: 2024-04-17. Review status: criteria provided, single submitter. Criteria: Ambry Variant Classification Scheme 2023. Collection method: clinical testing. Allele origin: germline.
Comment: The p.P643S variant (also known as c.1927C>T), located in coding exon 12 of the EPAS1 gene, results from a C to T substitution at nucleotide position 1927. The proline at codon 643 is replaced by serine, an amino acid with similar properties. This amino acid position is conserved. In addition, the in silico prediction for this alteration is inconclusive. Since supporting evidence is limited at this time, the clinical significance of this alteration remains unclear.

NM_001430.5(EPAS1):c.1927C>T (p.Pro643Ser)

Gene: EPAS1 (endothelial PAS domain protein 1; plus strand). Cytogenetic location: 2p21.
Variant type: single nucleotide variant.
Coding change: c.1927C>T on transcript NM_001430.5 (MANE Select); coding-DNA position 1927, C replaced by T.
Protein change: p.Pro643Ser; replaces proline 643 with serine.
Molecular consequence: missense variant.
Genome position (GRCh38, 1-based): chr2:46,380,599, C>T. VCF-style: chr2-46380599-C-T. GRCh37 (hg19) VCF-style: chr2-46607738-C-T.
Other names: short protein forms P643S.
Identifiers: ClinVar variation 1782787 (VCV001782787.4), dbSNP rs2103673493, ClinGen allele CA346705169.